The following is an entry in ClinVar:

NM_000038.6(APC):c.5714A>C (p.Gln1905Pro)

Gene: APC (APC regulator of Wnt signaling pathway; plus strand). Cytogenetic location: 5q22.2.
Variant type: single nucleotide variant.
Coding change: c.5714A>C on transcript NM_000038.6 (MANE Select); coding-DNA position 5714, A replaced by C.
Protein change: p.Gln1905Pro; replaces glutamine 1905 with proline.
Molecular consequence: missense variant.
Genome position (GRCh38, 1-based): chr5:112,841,308, A>C. VCF-style: chr5-112841308-A-C. GRCh37 (hg19) VCF-style: chr5-112177005-A-C.
Other names: c.5714A>C, p.Gln1905Pro (NM_001127510.3, NM_001354895.2); c.5660A>C, p.Gln1887Pro (NM_001127511.3); c.5768A>C, p.Gln1923Pro (NM_001354896.2); c.5744A>C, p.Gln1915Pro (NM_001354897.2); c.5639A>C, p.Gln1880Pro (NM_001354898.2); c.5630A>C, p.Gln1877Pro (NM_001354899.2); c.5591A>C, p.Gln1864Pro (NM_001354900.2); c.5537A>C, p.Gln1846Pro (NM_001354901.2); and 6 more; short protein forms Q1622P, Q1877P, Q1905P, Q1915P, Q1745P, Q1814P, Q1804P, Q1846P.
Identifiers: ClinVar variation 1469936 (VCV001469936.9), dbSNP rs876658338, ClinGen allele CA16033840.

ClinVar aggregate classification (germline): Uncertain significance. Review status: criteria provided, multiple submitters, no conflicts (2 of 4 stars). 2 submissions from 2 submitters: Uncertain significance (2). Last evaluated 2025-05-23.

Conditions:
Hereditary cancer-predisposing syndrome. Also called: Tumor predisposition; Hereditary Cancer Syndrome; Hereditary neoplastic syndrome; Neoplastic Syndromes, Hereditary. Identifiers: Orphanet 140162, MedGen C0027672, MeSH D009386, MONDO:0015356.
Familial adenomatous polyposis 1 (FAP1). Also called: FAMILIAL ADENOMATOUS POLYPOSIS 1, ATTENUATED; POLYPOSIS, ADENOMATOUS INTESTINAL. Identifiers: MedGen C2713442, MONDO:0021056, OMIM 175100. Disease mechanism: loss of function.

Allele frequency attached by ClinVar (database versions not stated): gnomAD exomes below 0.00001.
gnomAD v4.1: 2 of 1,614,038 alleles (0.00012%); highest among the groups gnomAD compares: Non-Finnish European, 0.00017%; no homozygotes.

Submissions (2):

Ambry Genetics
Classification: Uncertain significance for Hereditary cancer-predisposing syndrome. Last evaluated: 2025-05-23. Review status: criteria provided, single submitter. Criteria: Ambry Variant Classification Scheme 2023. Collection method: clinical testing. Allele origin: germline.
Comment: The p.Q1905P variant (also known as c.5714A>C), located in coding exon 15 of the APC gene, results from an A to C substitution at nucleotide position 5714. The glutamine at codon 1905 is replaced by proline, an amino acid with similar properties. This amino acid position is conserved. In addition, in silico predictors for this gene do not accurately predict pathogenicity. Based on the available evidence, the clinical significance of this variant remains unclear.

Labcorp Genetics (formerly Invitae), Labcorp
Classification: Uncertain significance for Familial adenomatous polyposis 1. Last evaluated: 2024-04-15. Review status: criteria provided, single submitter. Criteria: Invitae Variant Classification Sherloc (09022015). Collection method: clinical testing. Allele origin: germline.
Comment: This sequence change replaces glutamine, which is neutral and polar, with proline, which is neutral and non-polar, at codon 1905 of the APC protein (p.Gln1905Pro). This variant is not present in population databases (gnomAD no frequency). This variant has not been reported in the literature in individuals affected with APC-related conditions. ClinVar contains an entry for this variant (Variation ID: 1469936). Advanced modeling of protein sequence and biophysical properties (such as structural, functional, and spatial information, amino acid conservation, physicochemical variation, residue mobility, and thermodynamic stability) performed at Invitae indicates that this missense variant is not expected to disrupt APC protein function with a negative predictive value of 95%. In summary, the available evidence is currently insufficient to determine the role of this variant in disease. Therefore, it has been classified as a Variant of Uncertain Significance.